The following is an entry in ClinVar:

NM_020778.5(ALPK3):c.2620G>A (p.Gly874Arg)

Gene: ALPK3 (alpha kinase 3; plus strand). Cytogenetic location: 15q25.3.
Variant type: single nucleotide variant.
Coding change: c.2620G>A on transcript NM_020778.5 (MANE Select); coding-DNA position 2620, G replaced by A.
Protein change: p.Gly874Arg; replaces glycine 874 with arginine.
Molecular consequence: missense variant.
Genome position (GRCh38, 1-based): chr15:84,857,358, G>A. VCF-style: chr15-84857358-G-A. GRCh37 (hg19) VCF-style: chr15-85400589-G-A.
Other names: short protein forms G874R.
Identifiers: ClinVar variation 1729131 (VCV001729131.2), dbSNP rs1378717889, ClinGen allele CA393357803.

ClinVar aggregate classification (germline): Uncertain significance (1 of 4 stars; one submission).

Conditions:
Cardiovascular phenotype. Identifiers: MedGen CN230736.

Allele frequency attached by ClinVar (database versions not stated): gnomAD exomes below 0.00001.
gnomAD v4.1: 1 of 1,614,130 alleles (0.000062%); no homozygotes.

Submission:

Ambry Genetics
Classification: Uncertain significance for Cardiovascular phenotype. Last evaluated: 2021-12-16. Review status: criteria provided, single submitter. Criteria: Ambry Variant Classification Scheme 2023. Collection method: clinical testing. Allele origin: germline.
Comment: The p.G1076R variant (also known as c.3226G>A), located in coding exon 6 of the ALPK3 gene, results from a G to A substitution at nucleotide position 3226. The glycine at codon 1076 is replaced by arginine, an amino acid with dissimilar properties. This amino acid position is conserved. In addition, this alteration is predicted to be tolerated by in silico analysis. Since supporting evidence is limited at this time, the clinical significance of this alteration remains unclear.